The following is an entry in ClinVar:

ClinVar aggregate classification (germline): Uncertain significance (1 of 4 stars; one submission).

Conditions:
Cryptosporidiosis-chronic cholangitis-liver disease syndrome. Also called: IL21R immunodeficiency; Immunodeficiency type 56. Identifiers: Orphanet 357329, MedGen C3554687, MONDO:0014082, OMIM 615207.

Allele frequency attached by ClinVar (database versions not stated): TOPMed 0.00007; ESP Exome Variant Server 0.00008.
gnomAD v4.1: 20 of 1,613,218 alleles (0.0012%); highest among the groups gnomAD compares: African/African-American, 0.027%; no homozygotes.

Submission:

Labcorp Genetics (formerly Invitae), Labcorp
Classification: Uncertain significance for Cryptosporidiosis-chronic cholangitis-liver disease syndrome. Last evaluated: 2023-07-17. Review status: criteria provided, single submitter. Criteria: Invitae Variant Classification Sherloc (09022015). Collection method: clinical testing. Allele origin: germline.
Comment: In summary, the available evidence is currently insufficient to determine the role of this variant in disease. Therefore, it has been classified as a Variant of Uncertain Significance. Advanced modeling of protein sequence and biophysical properties (such as structural, functional, and spatial information, amino acid conservation, physicochemical variation, residue mobility, and thermodynamic stability) performed at Invitae indicates that this missense variant is not expected to disrupt IL21R protein function. ClinVar contains an entry for this variant (Variation ID: 999813). This variant has not been reported in the literature in individuals affected with IL21R-related conditions. This variant is present in population databases (rs375328425, gnomAD 0.03%). This sequence change replaces serine, which is neutral and polar, with threonine, which is neutral and polar, at codon 393 of the IL21R protein (p.Ser393Thr).

NM_181078.3(IL21R):c.1178G>C (p.Ser393Thr)

Genes: IL21R (interleukin 21 receptor; plus strand), IL21R-AS1 (IL21R antisense RNA 1; minus strand). Cytogenetic location: 16p12.1.
Variant type: single nucleotide variant.
Coding change: c.1178G>C on transcript NM_181078.3 (MANE Select); coding-DNA position 1178, G replaced by C.
Protein change: p.Ser393Thr; replaces serine 393 with threonine.
Molecular consequence: missense variant. On other transcripts: non-coding transcript variant (1).
Genome position (GRCh38, 1-based): chr16:27,448,844, G>C. VCF-style: chr16-27448844-G-C. GRCh37 (hg19) VCF-style: chr16-27460165-G-C.
Other names: c.1178G>C, p.Ser393Thr (NM_021798.4); c.1244G>C, p.Ser415Thr (NM_181079.5); short protein forms S393T, S415T.
Identifiers: ClinVar variation 999813 (VCV000999813.9), dbSNP rs375328425, ClinGen allele CA7975163.